The following is an entry in ClinVar:

NM_000051.4(ATM):c.7515+6T>G

Genes: ATM (ATM serine/threonine kinase; plus strand), C11orf65 (chromosome 11 open reading frame 65; minus strand). Cytogenetic location: 11q22.3.
Variant type: single nucleotide variant.
Coding change: c.7515+6T>G on transcript NM_000051.4 (MANE Select); 6 bases into the intron after coding-DNA position 7515, T replaced by G.
Molecular consequence: intron variant.
Genome position (GRCh38, 1-based): chr11:108,330,427, T>G. VCF-style: chr11-108330427-T-G. GRCh37 (hg19) VCF-style: chr11-108201154-T-G.
Other names: c.7515+6T>G (NM_001351834.2); c.641-21356A>C (NM_001330368.2); c.*38+4793A>C (NM_001351110.2).
Identifiers: ClinVar variation 4728213 (VCV004728213.1).

ClinVar aggregate classification (germline): Uncertain significance (1 of 4 stars; one submission).

Conditions:
Ataxia-telangiectasia syndrome (AT). Also called: Ataxia-telangiectasia, complementation group D; AT, COMPLEMENTATION GROUP C; ATAXIA-TELANGIECTASIA, COMPLEMENTATION GROUP A; ATAXIA-TELANGIECTASIA, FRESNO VARIANT; Ataxia-telangiectasia; Ataxia-telangiectasia, complementation group E. Identifiers: Orphanet 100, MedGen C0004135, MONDO:0008840, OMIM 208900.

Submission:

Labcorp Genetics (formerly Invitae), Labcorp
Classification: Uncertain significance for Ataxia-telangiectasia syndrome. Last evaluated: 2025-10-03. Review status: criteria provided, single submitter. Criteria: Invitae Variant Classification Sherloc (09022015). Collection method: clinical testing. Allele origin: germline.
Comment: This sequence change falls in intron 50 of the ATM gene. It does not directly change the encoded amino acid sequence of the ATM protein. It affects a nucleotide within the consensus splice site. This variant is not present in population databases (gnomAD no frequency). This variant has not been reported in the literature in individuals affected with ATM-related conditions. Variants that disrupt the consensus splice site are a relatively common cause of aberrant splicing (PMID: 17576681, 9536098). RNA analysis provides insufficient evidence to determine the effect of this variant on ATM splicing (internal data). In summary, the available evidence is currently insufficient to determine the role of this variant in disease. Therefore, it has been classified as a Variant of Uncertain Significance.

Literature cited by the submitters: PubMed 17576681; PubMed 9536098.